The following is an entry in ClinVar:

NM_001368894.2(PAX6):c.188C>A (p.Ser63Tyr)

Gene: PAX6 (paired box 6; minus strand). Cytogenetic location: 11p13.
Variant type: single nucleotide variant.
Coding change: c.188C>A on transcript NM_001368894.2 (MANE Select); coding-DNA position 188, C replaced by A.
Protein change: p.Ser63Tyr; replaces serine 63 with tyrosine.
Molecular consequence: missense variant. On other transcripts: 5 prime UTR variant (14), non-coding transcript variant (2).
Genome position (GRCh38, 1-based): chr11:31,801,772, G>T on the plus strand (C>A on the coding strand, the complement: PAX6 is on the minus strand). VCF-style: chr11-31801772-G-T. GRCh37 (hg19) VCF-style: chr11-31823320-G-T.
Other names: c.146C>A, p.Ser49Tyr (NM_000280.6, NM_001127612.3, NM_001258464.2 and 11 more transcripts); c.188C>A, p.Ser63Tyr (NM_001258462.3, NM_001258463.2, NM_001310158.2 and 13 more transcripts); c.-594C>A (NM_001310160.2, NM_001368902.2, NM_001368905.2); c.-263C>A (NM_001310161.3, NM_001368899.2, NM_001368900.2 and 8 more transcripts); c.389C>A, p.Ser130Tyr (NM_001368910.2); c.191C>A, p.Ser64Tyr (NM_001368911.2); c.263C>A, p.Ser88Tyr (NM_001368918.2, NM_001368919.2); c.221C>A, p.Ser74Tyr (NM_001368920.2); short protein forms S49Y, S64Y, S74Y, S88Y, S130Y, S63Y.
Identifiers: ClinVar variation 451876 (VCV000451876.4), dbSNP rs1554985430, ClinGen allele CA379959132.

ClinVar aggregate classification (germline): Conflicting classifications of pathogenicity. Review status: criteria provided, conflicting classifications (1 of 4 stars). 2 submissions from 2 submitters: Likely pathogenic (1); Uncertain significance (1). Last evaluated 2025-09-13.

Conditions:
Irido-corneo-trabecular dysgenesis (ASGD5). Also called: ANTERIOR SEGMENT DYSGENESIS 5. Identifiers: Orphanet 708, MedGen C0344559, MONDO:0011414, OMIM 604229, HP:0000659.
Aniridia 1 (AN1). Identifiers: Orphanet 250923, MedGen C0344542, MONDO:0024507, OMIM 106210.

Submissions (2):

Labcorp Genetics (formerly Invitae), Labcorp
Classification: Uncertain significance for Aniridia 1; Irido-corneo-trabecular dysgenesis. Last evaluated: 2025-09-13. Review status: criteria provided, single submitter. Criteria: Invitae Variant Classification Sherloc (09022015). Collection method: clinical testing. Allele origin: germline.
Comment: This sequence change replaces serine, which is neutral and polar, with tyrosine, which is neutral and polar, at codon 49 of the PAX6 protein (p.Ser49Tyr). This variant is not present in population databases (gnomAD no frequency). This variant has not been reported in the literature in individuals affected with PAX6-related conditions. ClinVar contains an entry for this variant (Variation ID: 451876). Invitae Evidence Modeling of protein sequence and biophysical properties (such as structural, functional, and spatial information, amino acid conservation, physicochemical variation, residue mobility, and thermodynamic stability) indicates that this missense variant is expected to disrupt PAX6 protein function with a positive predictive value of 80%. In summary, the available evidence is currently insufficient to determine the role of this variant in disease. Therefore, it has been classified as a Variant of Uncertain Significance.

GeneDx
Classification: Likely pathogenic. Last evaluated: 2017-09-07. Review status: criteria provided, single submitter. Criteria: GeneDx Variant Classification (06012015). Collection method: clinical testing. Allele origin: germline. Affected: yes.
Comment: The S49Y variant has not been published as a pathogenic variant, nor has it been reported as a benign variant to our knowledge. The variant is not observed in large population cohorts (Lek et al., 2016; 1000 Genomes Consortium et al., 2015; Exome Variant Server). S49Y is a semi-conservative amino acid substitution, which may impact secondary protein structure as these residues differ in some properties. This substitution occurs at a position within the paired DNA-binding domain that is conserved across species, and in silico analysis predicts this variant is probably damaging to the protein structure/function. In summary, this variant is likely pathogenic; however, the possibility that it is benign cannot be excluded.